The following is an entry in ClinVar:

ClinVar aggregate classification (germline): Uncertain significance (1 of 4 stars; one submission).

gnomAD v4.1: 1 of 1,613,486 alleles (0.000062%); highest among the groups gnomAD compares: Admixed American, 0.0017%; no homozygotes.

Submission:

GeneDx
Classification: Uncertain significance. Last evaluated: 2025-02-07. Review status: criteria provided, single submitter. Criteria: GeneDx Variant Classification Process June 2021. Collection method: clinical testing. Allele origin: germline. Affected: yes.
Comment: Not observed at significant frequency in large population cohorts (gnomAD); In silico analysis supports that this missense variant has a deleterious effect on protein structure/function; In silico analysis supports a deleterious effect on splicing; Has not been previously published as pathogenic or benign to our knowledge

NM_004958.4(MTOR):c.4567T>G (p.Leu1523Val)

Gene: MTOR (mechanistic target of rapamycin kinase; minus strand). Cytogenetic location: 1p36.22.
Variant type: single nucleotide variant.
Coding change: c.4567T>G on transcript NM_004958.4 (MANE Select); coding-DNA position 4567, T replaced by G.
Protein change: p.Leu1523Val; replaces leucine 1523 with valine.
Molecular consequence: missense variant.
Genome position (GRCh38, 1-based): chr1:11,150,129, A>C on the plus strand (T>G on the coding strand, the complement: MTOR is on the minus strand). VCF-style: chr1-11150129-A-C. GRCh37 (hg19) VCF-style: chr1-11210186-A-C.
Other names: c.4567T>G, p.Leu1523Val (NM_001386500.1); c.3319T>G, p.Leu1107Val (NM_001386501.1); short protein forms L1107V, L1523V.
Identifiers: ClinVar variation 4074678 (VCV004074678.1).